The following is an entry in ClinVar:

NM_001943.5(DSG2):c.3291T>C (p.Asn1097=)

Genes: DSG2 (desmoglein 2; plus strand), DSG2-AS1 (DSG2 antisense RNA 1; minus strand). Cytogenetic location: 18q12.1.
Variant type: single nucleotide variant.
Coding change: c.3291T>C on transcript NM_001943.5 (MANE Select); coding-DNA position 3291, T replaced by C.
Protein change: p.Asn1097=; no amino-acid change (asparagine 1097 retained).
Molecular consequence: synonymous variant.
Genome position (GRCh38, 1-based): chr18:31,546,677, T>C. VCF-style: chr18-31546677-T-C. GRCh37 (hg19) VCF-style: chr18-29126640-T-C.
Other names: p.Asn1097=; c.3291T>C (LRG_397t1).
Identifiers: ClinVar variation 386199 (VCV000386199.25), dbSNP rs757473850, ClinGen allele CA048270.

ClinVar aggregate classification (germline): Likely benign. Review status: criteria provided, multiple submitters, no conflicts (2 of 4 stars). 8 submissions from 8 submitters: Likely benign (8). Last evaluated 2026-01-04.

Conditions:
Cardiomyopathy (CMYO). Also called: Cardiomyopathies. Identifiers: Orphanet 167848, MedGen C0878544, MONDO:0004994, HP:0001638. Inheritance: Various modes of inheritance.
Arrhythmogenic right ventricular dysplasia 10. Also called: Arrhythmogenic Right Ventricular Dysplasia/Cardiomyopathy10; Arrhythmogenic right ventricular dysplasia/cardiomyopathy, type 10; ARRHYTHMOGENIC RIGHT VENTRICULAR DYSPLASIA, FAMILIAL, 10. Identifiers: MedGen C1857777, MONDO:0012434, OMIM 610193.
Cardiovascular phenotype. Identifiers: MedGen CN230736.
Arrhythmogenic right ventricular cardiomyopathy (ARVD). Also called: Arrhythmogenic Right Ventricular Cardiomyopathy (ARVC); Cardiomyopathy, ARVC; Arrhythmogenic cardiomyopathy; Arrhythmogenic right ventricular dysplasia. Identifiers: Orphanet 247, MedGen C0349788, MeSH D019571, MONDO:0016587. Disease mechanism: loss of function. Inheritance: Various modes of inheritance.

Allele frequency attached by ClinVar (database versions not stated): gnomAD 0.00002; TOPMed 0.00003; gnomAD exomes 0.00005 and 0.00012; ExAC 0.00012.
gnomAD v4.1: 32 of 1,614,066 alleles (0.002%); highest among the groups gnomAD compares: Admixed American, 0.053%; no homozygotes.

Submissions (8):

Labcorp Genetics (formerly Invitae), Labcorp
Classification: Likely benign for Arrhythmogenic right ventricular dysplasia 10. Last evaluated: 2026-01-04. Review status: criteria provided, single submitter. Criteria: Invitae Variant Classification Sherloc (09022015). Collection method: clinical testing. Allele origin: germline.

CeGaT Center for Human Genetics Tuebingen
Classification: Likely benign. Last evaluated: 2025-09-01. Review status: criteria provided, single submitter. Criteria: CeGaT Center For Human Genetics Tuebingen Variant Classification Criteria Version 2. Collection method: clinical testing. Allele origin: germline. Affected: yes. Observed: 1 variant allele.
Comment: DSG2: BP4, BP7

Mayo Clinic Laboratories, Mayo Clinic
Classification: Likely benign. Last evaluated: 2025-04-14. Review status: criteria provided, single submitter. Criteria: ACMG Guidelines, 2015. Collection method: clinical testing. Allele origin: germline. Observed: 1 variant allele.
Comment: BS1, BP4, BP7

All of Us Research Program, National Institutes of Health
Classification: Likely benign for Arrhythmogenic right ventricular cardiomyopathy. Last evaluated: 2023-12-13. Review status: criteria provided, single submitter. Criteria: ACMG Guidelines, 2015. Collection method: clinical testing. Allele origin: germline. Inheritance: Autosomal dominant inheritance. Observed: 6 variant alleles, 6 heterozygotes.
Comment: This study involves interpretation of variants in research participants for the purpose of population health screening. Participant phenotype was not available at the time of variant classification. Additional details can be found in publication PMID: 35346344, PMCID: PMC8962531

Women's Health and Genetics/Laboratory Corporation of America, LabCorp
Classification: Likely benign. Last evaluated: 2022-01-15. Review status: criteria provided, single submitter. Criteria: LabCorp Variant Classification Summary - May 2015. Collection method: clinical testing. Allele origin: germline.

Ambry Genetics
Classification: Likely benign for Cardiovascular phenotype. Last evaluated: 2019-10-20. Review status: criteria provided, single submitter. Criteria: Ambry Variant Classification Scheme 2023. Collection method: clinical testing. Allele origin: germline.

Color Diagnostics, LLC DBA Color Health
Classification: Likely benign for Cardiomyopathy. Last evaluated: 2019-06-01. Review status: criteria provided, single submitter. Criteria: ACMG Guidelines, 2015. Collection method: clinical testing. Allele origin: germline.

GeneDx
Classification: Likely benign. Last evaluated: 2016-05-13. Review status: criteria provided, single submitter. Criteria: GeneDx Variant Classification (06012015). Collection method: clinical testing. Allele origin: germline. Affected: yes.
Comment: This variant is considered likely benign or benign based on one or more of the following criteria: it is a conservative change, it occurs at a poorly conserved position in the protein, it is predicted to be benign by multiple in silico algorithms, and/or has population frequency not consistent with disease.